The following is an entry in ClinVar:

ClinVar aggregate classification (germline): Pathogenic/Likely pathogenic. Review status: criteria provided, multiple submitters, no conflicts (2 of 4 stars). 2 submissions from 2 submitters: Pathogenic (1); Likely pathogenic (1). Last evaluated 2025-04-04.

Conditions:
PKD1-related disorder. Also called: PKD1-related condition.
Polycystic kidney disease, adult type (PKD1). Also called: Polycystic Kidney, Autosomal Dominant; POLYCYSTIC KIDNEY DISEASE 1 WITH OR WITHOUT POLYCYSTIC LIVER DISEASE; Polycystic Kidney Disease 1, Autosomal Dominant; Polycystic kidney disease 1; Polycystic kidney disease 1, severe; POLYCYSTIC KIDNEY DISEASE, ADULT, TYPE I. Identifiers: MedGen C3149841, MONDO:0008263, OMIM 173900.

Submissions (2):

PreventionGenetics, part of Exact Sciences
Classification: Pathogenic for PKD1-related condition. Last evaluated: 2025-04-04. Review status: criteria provided, single submitter. Criteria: ACMG Guidelines, 2015. Collection method: clinical testing. Allele origin: germline.
Comment: The PKD1 c.7292T>A variant is predicted to result in the amino acid substitution p.Leu2431Gln. This variant was reported to segregate with autosomal dominant polycystic kidney disease (ADPKD) in four families from the Alpujarra region of Granada in Spain, suggesting this change is a founder variant in this region (García-Rabaneda et al. 2020. PubMed ID: 32505451; García Rabaneda et al. 2021. PubMed ID: 34221391). This variant has not been reported in a large population database (gnomAD), indicating this variant is rare. This variant is interpreted as pathogenic.

(GEEPAD) Grupo de Estudio de la Enfermedad Poliquística Autosómica Dominante, Hospitales Universitarios Virgen de las Nieves y San Cecilio (Granada)
Classification: Likely pathogenic for Polycystic kidney disease, adult type. Last evaluated: 2020-01-21. Review status: criteria provided, single submitter. Criteria: ACMG Guidelines, 2015. Collection method: clinical testing. Allele origin: germline. Inheritance: Autosomal dominant inheritance. Affected: yes. Observed: 22 variant alleles. Clinical features observed: Renal cyst (HP:0000107).
Comment: This variant has been identified in affected patients of four unrelated families.

NM_001009944.3(PKD1):c.7292T>A (p.Leu2431Gln)

Gene: PKD1 (polycystin 1, transient receptor potential channel interacting; minus strand). Cytogenetic location: 16p13.3.
Variant type: single nucleotide variant.
Coding change: c.7292T>A on transcript NM_001009944.3 (MANE Select); coding-DNA position 7292, T replaced by A.
Protein change: p.Leu2431Gln; replaces leucine 2431 with glutamine.
Molecular consequence: missense variant.
Genome position (GRCh38, 1-based): chr16:2,106,595, A>T on the plus strand (T>A on the coding strand, the complement: PKD1 is on the minus strand). VCF-style: chr16-2106595-A-T. GRCh37 (hg19) VCF-style: chr16-2156596-A-T.
Other names: c.7292T>A, p.Leu2431Gln (NM_000296.4); short protein forms L2431Q.
Identifiers: ClinVar variation 917544 (VCV000917544.4), dbSNP rs2092344562, ClinGen allele CA394370376.